The following is an entry in ClinVar:

ClinVar aggregate classification (germline): Uncertain significance (1 of 4 stars; one submission).

Allele frequency attached by ClinVar (database versions not stated): gnomAD exomes below 0.00001; ExAC 0.00001; TOPMed 0.00002; gnomAD 0.00003; 1000 Genomes Project 30x 0.00016; 1000 Genomes Project 0.00020.
gnomAD v4.1: 10 of 1,614,168 alleles (0.00062%); highest among the groups gnomAD compares: Admixed American, 0.0033%; no homozygotes.

Submission:

Labcorp Genetics (formerly Invitae), Labcorp
Classification: Uncertain significance. Last evaluated: 2025-04-02. Review status: criteria provided, single submitter. Criteria: Invitae Variant Classification Sherloc (09022015). Collection method: clinical testing. Allele origin: germline.
Comment: This sequence change replaces glutamic acid, which is acidic and polar, with aspartic acid, which is acidic and polar, at codon 884 of the DISP1 protein (p.Glu884Asp). This variant is present in population databases (rs138904556, gnomAD 0.002%). This variant has not been reported in the literature in individuals affected with DISP1-related conditions. ClinVar contains an entry for this variant (Variation ID: 2085248). An algorithm developed to predict the effect of missense changes on protein structure and function outputs the following: PolyPhen-2: "Benign". The aspartic acid amino acid residue is found in multiple mammalian species, which suggests that this missense change does not adversely affect protein function. In summary, the available evidence is currently insufficient to determine the role of this variant in disease. Therefore, it has been classified as a Variant of Uncertain Significance.

NM_001377229.1(DISP1):c.2652G>T (p.Glu884Asp)

Gene: DISP1 (dispatched RND transporter family member 1; plus strand). Cytogenetic location: 1q41.
Variant type: single nucleotide variant.
Coding change: c.2652G>T on transcript NM_001377229.1 (MANE Select); coding-DNA position 2652, G replaced by T.
Protein change: p.Glu884Asp; replaces glutamic acid 884 with aspartic acid.
Molecular consequence: missense variant.
Genome position (GRCh38, 1-based): chr1:223,004,049, G>T. VCF-style: chr1-223004049-G-T. GRCh37 (hg19) VCF-style: chr1-223177391-G-T.
Other names: c.1923G>T, p.Glu641Asp (NM_001350630.2); c.2652G>T, p.Glu884Asp (NM_001369594.1, NM_001377228.1, NM_032890.5); short protein forms E641D, E884D.
Identifiers: ClinVar variation 2085248 (VCV002085248.2), dbSNP rs138904556, ClinGen allele CA1409273.